The following is an entry in ClinVar:

ClinVar aggregate classification (germline): Uncertain significance. Review status: criteria provided, multiple submitters, no conflicts (2 of 4 stars). 4 submissions from 4 submitters: Uncertain significance (3). 1 of the submissions does not count toward it. Last evaluated 2025-11-27.

Conditions:
Cystinuria type A. Identifiers: Orphanet 93612, MedGen C1857388, MONDO:0019745.
Cystinuria (CSNU). Also called: Cystinuria, non-type I; CYSTINURIA, TYPE I; CYSTINURIA, TYPE II; CYSTINURIA, TYPE III. Identifiers: Orphanet 214, MedGen C0010691, MONDO:0009067, OMIM 220100, HP:0003131.

Allele frequency attached by ClinVar (database versions not stated): gnomAD exomes 0.00005; gnomAD 0.00015 and 0.00016; ExAC 0.00006; ESP Exome Variant Server 0.00015.
gnomAD v4.1: 92 of 1,613,928 alleles (0.0057%); highest among the groups gnomAD compares: African/African-American, 0.065%; no homozygotes.

Submissions (4):

Labcorp Genetics (formerly Invitae), Labcorp
Classification: Uncertain significance for Cystinuria. Last evaluated: 2025-11-27. Review status: criteria provided, single submitter. Criteria: Invitae Variant Classification Sherloc (09022015). Collection method: clinical testing. Allele origin: germline.
Comment: This sequence change replaces arginine, which is basic and polar, with histidine, which is basic and polar, at codon 288 of the SLC3A1 protein (p.Arg288His). This variant is present in population databases (rs375237049, gnomAD 0.03%). This variant has not been reported in the literature in individuals affected with SLC3A1-related conditions. ClinVar contains an entry for this variant (Variation ID: 1049109). An algorithm developed to predict the effect of missense changes on protein structure and function outputs the following: PolyPhen-2: "Benign". The histidine amino acid residue is found in multiple mammalian species, which suggests that this missense change does not adversely affect protein function. In summary, the available evidence is currently insufficient to determine the role of this variant in disease. Therefore, it has been classified as a Variant of Uncertain Significance.

Dasa
Classification: Uncertain significance for Cystinuria type A. Last evaluated: 2025-11-24. Review status: criteria provided, single submitter. Criteria: DASA Assertion Criteria. Collection method: clinical testing. Allele origin: germline.
Comment: NM_000341.4(SLC3A1):c.863G>A (p.Arg288His) is a missense variant that results in the substitution of arginine with histidine. This variant is rare in population databases. Computational prediction algorithms are consistent with a deleterious effect. The currently available literature and clinical evidence are not sufficient to establish a definitive association between this variant and the reported condition. Therefore, this variant is classified as a variant of uncertain significance.

Fulgent Genetics
Classification: Uncertain significance for Cystinuria. Last evaluated: 2024-05-19. Review status: criteria provided, single submitter. Criteria: ACMG Guidelines, 2015. Collection method: clinical testing. Allele origin: germline.

Department of Pathology and Laboratory Medicine, Sinai Health System
Classification: Uncertain significance. Review status: no assertion criteria provided. Collection method: clinical testing. Allele origin: unknown. Affected: yes. Study: The Canadian Open Genetics Repository (COGR). Not counted in ClinVar's aggregate classification.
Comment: The SLC3A1 p.Arg288His variant was not identified in the literature nor was it identified in ClinVar or Cosmic. The variant was identified in dbSNP (ID: rs375237049) with unknown clinical significance and in LOVD 3.0. The variant was identified in control databases in 16 of 282822 chromosomes at a frequency of 0.000057 (Genome Aggregation Database Feb 27, 2017). The variant was observed in the following populations: African in 8 of 24962 chromosomes (freq: 0.000321), South Asian in 2 of 30614 chromosomes (freq: 0.000065), East Asian in 1 of 19952 chromosomes (freq: 0.00005), European (Finnish) in 1 of 25116 chromosomes (freq: 0.00004), Latino in 1 of 35438 chromosomes (freq: 0.000028) and European (non-Finnish) in 3 of 129148 chromosomes (freq: 0.000023); it was not observed in the Ashkenazi Jewish or Other populations. The variant occurs outside of the splicing consensus sequence and in silico or computational prediction software programs (SpliceSiteFinder, MaxEntScan, NNSPLICE, GeneSplicer) do not predict a difference in splicing. The p.Arg288 residue is not conserved in mammals and computational analyses (PolyPhen-2, SIFT, AlignGVGD, BLOSUM, MutationTaster) provide inconsistent predictions regarding the impact to the protein; this information is not very predictive of pathogenicity. In summary, based on the above information the clinical significance of this variant cannot be determined with certainty at this time. This variant is classified as a variant of uncertain significance.

NM_000341.4(SLC3A1):c.863G>A (p.Arg288His)

Gene: SLC3A1 (solute carrier family 3 member 1; plus strand). Cytogenetic location: 2p21.
Variant type: single nucleotide variant.
Coding change: c.863G>A on transcript NM_000341.4 (MANE Select); coding-DNA position 863, G replaced by A.
Protein change: p.Arg288His; replaces arginine 288 with histidine.
Molecular consequence: missense variant.
Genome position (GRCh38, 1-based): chr2:44,286,129, G>A. VCF-style: chr2-44286129-G-A. GRCh37 (hg19) VCF-style: chr2-44513268-G-A.
Other names: short protein forms R288H.
Identifiers: ClinVar variation 1049109 (VCV001049109.11), dbSNP rs375237049, ClinGen allele CA1640294.